The following is an entry in ClinVar:

ClinVar aggregate classification (germline): Uncertain significance. Review status: criteria provided, single submitter (1 of 4 stars). 2 submissions from 2 submitters: Uncertain significance (1). 1 of the submissions does not count toward it. Last evaluated 2020-02-14.

Conditions:
Hypothyroidism, congenital, nongoitrous, 8. Identifiers: MedGen C5231395, MONDO:0026731, OMIM 301033.

Submissions (2):

SIB Swiss Institute of Bioinformatics
Classification: Uncertain significance for Hypothyroidism, congenital, nongoitrous, 8. Last evaluated: 2020-02-14. Review status: criteria provided, single submitter. Criteria: ACMG Guidelines, 2015. Collection method: curation. Allele origin: unknown.
Comment: This variant is interpreted as a variant of uncertain significance for Hypothyroidism, congenital, non-goitrous, 8, X-linked. The following ACMG Tag(s) were applied: PM2, PP3, PS3-Moderate.

OMIM
Classification: Pathogenic for HYPOTHYROIDISM, CONGENITAL, NONGOITROUS, 8. Last evaluated: 2019-09-27. Review status: no assertion criteria provided. Collection method: literature only. Allele origin: germline. Not counted in ClinVar's aggregate classification.

Literature cited by the submitters: PubMed 27603907 (cited by SIB Swiss Institute of Bioinformatics and OMIM).

NM_005647.4(TBL1X):c.1246A>T (p.Asn416Tyr)

Gene: TBL1X (transducin beta like 1 X-linked; plus strand). Cytogenetic location: Xp22.2.
Variant type: single nucleotide variant.
Coding change: c.1246A>T on transcript NM_005647.4 (MANE Select); coding-DNA position 1246, A replaced by T.
Protein change: p.Asn416Tyr; replaces asparagine 416 with tyrosine.
Molecular consequence: missense variant.
Genome position (GRCh38, 1-based): chrX:9,709,257, A>T. VCF-style: chrX-9709257-A-T. GRCh37 (hg19) VCF-style: chrX-9677297-A-T.
Other names: c.1246A>T, p.Asn416Tyr (NM_001139466.1); c.1093A>T, p.Asn365Tyr (NM_001139467.1, NM_001139468.1); short protein forms N365Y, N416Y.
Identifiers: ClinVar variation 691488 (VCV000691488.3), dbSNP rs1601855785, ClinGen allele CA411985732.